The following is an entry in ClinVar:

ClinVar aggregate classification (germline): Likely benign. Review status: criteria provided, multiple submitters, no conflicts (2 of 4 stars). 2 submissions from 2 submitters: Likely benign (2). Last evaluated 2024-09-10.

Conditions:
Familial thoracic aortic aneurysm and aortic dissection (TAAD). Also called: Thoracic aortic aneurysms and dissections. Identifiers: Orphanet 91387, MedGen C4707243, MONDO:0019625.
Loeys-Dietz syndrome 2 (LDS2). Also called: Marfan Syndrome type 2; Marfan like connective tissue disorder; MFS 2; TGFBR2-Related Loeys-Dietz Syndrome; Marfan syndrome, type 2 (formerly); AORTIC ANEURYSM, FAMILIAL THORACIC 3. Identifiers: Orphanet 284973, Orphanet 558, MedGen C2674574, MONDO:0012427, OMIM 610168.

Allele frequency attached by ClinVar (database versions not stated): gnomAD exomes below 0.00001; gnomAD 0.00001; TOPMed 0.00002.
gnomAD v4.1: 8 of 1,614,012 alleles (0.0005%); highest among the groups gnomAD compares: East Asian, 0.0045%; no homozygotes.

Submissions (2):

Labcorp Genetics (formerly Invitae), Labcorp
Classification: Likely benign for Familial thoracic aortic aneurysm and aortic dissection. Last evaluated: 2024-09-10. Review status: criteria provided, single submitter. Criteria: Invitae Variant Classification Sherloc (09022015). Collection method: clinical testing. Allele origin: germline.

All of Us Research Program, National Institutes of Health
Classification: Likely benign for Loeys-Dietz syndrome 2. Last evaluated: 2023-10-02. Review status: criteria provided, single submitter. Criteria: ACMG Guidelines, 2015. Collection method: clinical testing. Allele origin: germline. Inheritance: Autosomal dominant inheritance. Observed: 1 variant allele, 1 heterozygote.
Comment: This study involves interpretation of variants in research participants for the purpose of population health screening. Participant phenotype was not available at the time of variant classification. Additional details can be found in publication PMID: 35346344, PMCID: PMC8962531

NM_003242.6(TGFBR2):c.744C>G (p.Thr248=)

Gene: TGFBR2 (transforming growth factor beta receptor 2; plus strand). Cytogenetic location: 3p24.1.
Variant type: single nucleotide variant.
Coding change: c.744C>G on transcript NM_003242.6 (MANE Select); coding-DNA position 744, C replaced by G.
Protein change: p.Thr248=; no amino-acid change (threonine 248 retained).
Molecular consequence: synonymous variant. On other transcripts: intron variant (1).
Genome position (GRCh38, 1-based): chr3:30,671,927, C>G. VCF-style: chr3-30671927-C-G. GRCh37 (hg19) VCF-style: chr3-30713419-C-G.
Other names: c.819C>G, p.Thr273= (NM_001024847.3); c.927C>G, p.Thr309= (NM_001407126.1); c.852C>G, p.Thr284= (NM_001407127.1); c.771C>G, p.Thr257= (NM_001407128.1); c.747C>G, p.Thr249= (NM_001407129.1); c.744C>G, p.Thr248= (NM_001407130.1); c.639C>G, p.Thr213= (NM_001407132.1, NM_001407133.1, NM_001407134.1 and 2 more transcripts); c.459C>G, p.Thr153= (NM_001407137.1); and 2 more.
Identifiers: ClinVar variation 2070515 (VCV002070515.5), dbSNP rs1237286491, ClinGen allele CA433058579.